The following is an entry in ClinVar:

NM_018896.5(CACNA1G):c.3362G>A (p.Arg1121Gln)

Gene: CACNA1G (calcium voltage-gated channel subunit alpha1 G; plus strand). Cytogenetic location: 17q21.33.
Variant type: single nucleotide variant.
Coding change: c.3362G>A on transcript NM_018896.5 (MANE Select); coding-DNA position 3362, G replaced by A.
Protein change: p.Arg1121Gln; replaces arginine 1121 with glutamine.
Molecular consequence: missense variant. On other transcripts: non-coding transcript variant (5).
Genome position (GRCh38, 1-based): chr17:50,599,531, G>A. VCF-style: chr17-50599531-G-A. GRCh37 (hg19) VCF-style: chr17-48676892-G-A.
Other names: c.3362G>A (NM_018896.3); c.3362G>A, p.Arg1121Gln (NM_001256324.2, NM_001256325.2, NM_001256326.2 and 16 more transcripts); c.3293G>A, p.Arg1098Gln (NM_001256332.2, NM_198376.3, NM_198379.3 and 5 more transcripts); short protein forms R1098Q, R1121Q.
Identifiers: ClinVar variation 2984040 (VCV002984040.4), dbSNP rs370349028, ClinGen allele CA8652705.

ClinVar aggregate classification (germline): Conflicting classifications of pathogenicity. Review status: criteria provided, conflicting classifications (1 of 4 stars). 2 submissions from 2 submitters: Uncertain significance (1); Likely benign (1). Last evaluated 2024-03-07.

Conditions:
Inborn genetic diseases. Identifiers: MedGen C0950123, MeSH D030342.

Allele frequency attached by ClinVar (database versions not stated): gnomAD exomes 0.00001; gnomAD 0.00002; TOPMed 0.00002; ExAC 0.00005; ESP Exome Variant Server 0.00008; 1000 Genomes Project 30x 0.00016; 1000 Genomes Project 0.00020.
gnomAD v4.1: 20 of 1,612,118 alleles (0.0012%); highest among the groups gnomAD compares: East Asian, 0.0067%; no homozygotes.

Submissions (2):

Ambry Genetics
Classification: Likely benign for Inborn genetic diseases. Last evaluated: 2024-03-07. Review status: criteria provided, single submitter. Criteria: Ambry Variant Classification Scheme 2023. Collection method: clinical testing. Allele origin: germline.

Labcorp Genetics (formerly Invitae), Labcorp
Classification: Uncertain significance. Last evaluated: 2022-11-16. Review status: criteria provided, single submitter. Criteria: Invitae Variant Classification Sherloc (09022015). Collection method: clinical testing. Allele origin: germline.
Comment: In summary, the available evidence is currently insufficient to determine the role of this variant in disease. Therefore, it has been classified as a Variant of Uncertain Significance. Algorithms developed to predict the effect of missense changes on protein structure and function (SIFT, PolyPhen-2, Align-GVGD) all suggest that this variant is likely to be disruptive. This variant has not been reported in the literature in individuals affected with CACNA1G-related conditions. This variant is present in population databases (rs370349028, gnomAD 0.02%). This sequence change replaces arginine, which is basic and polar, with glutamine, which is neutral and polar, at codon 1121 of the CACNA1G protein (p.Arg1121Gln).